The following is an entry in ClinVar:

NM_012154.5(AGO2):c.1444G>A (p.Gly482Ser)

Gene: AGO2 (argonaute RISC catalytic component 2; minus strand). Cytogenetic location: 8q24.3.
Variant type: single nucleotide variant.
Coding change: c.1444G>A on transcript NM_012154.5 (MANE Select); coding-DNA position 1444, G replaced by A.
Protein change: p.Gly482Ser; replaces glycine 482 with serine.
Molecular consequence: missense variant.
Genome position (GRCh38, 1-based): chr8:140,549,258, C>T on the plus strand (G>A on the coding strand, the complement: AGO2 is on the minus strand). VCF-style: chr8-140549258-C-T. GRCh37 (hg19) VCF-style: chr8-141559357-C-T.
Other names: c.1444G>A, p.Gly482Ser (NM_001164623.3); short protein forms G482S.
Identifiers: ClinVar variation 1702822 (VCV001702822.4), dbSNP rs747587744, ClinGen allele CA4894397.

ClinVar aggregate classification (germline): Conflicting classifications of pathogenicity. Review status: criteria provided, conflicting classifications (1 of 4 stars). 2 submissions from 2 submitters: Likely pathogenic (1); Uncertain significance (1). Last evaluated 2026-04-30.

Conditions:
AGO2-related disorder. Also called: AGO2-related condition.

Allele frequency attached by ClinVar (database versions not stated): gnomAD exomes below 0.00001; ExAC 0.00001.

Submissions (2):

GeneDx
Classification: Likely pathogenic. Last evaluated: 2026-04-30. Review status: criteria provided, single submitter. Criteria: GeneDx Variant Classification Process June 2021. Collection method: clinical testing. Allele origin: germline.
Comment: Not observed at significant frequency in large population cohorts (gnomAD); In silico analysis supports that this missense variant has a deleterious effect on protein structure/function; Has not been previously published as pathogenic or benign to our knowledge

PreventionGenetics, part of Exact Sciences
Classification: Uncertain significance for AGO2-related condition. Last evaluated: 2025-02-03. Review status: criteria provided, single submitter. Criteria: ACMG Guidelines, 2015. Collection method: clinical testing. Allele origin: germline.
Comment: The AGO2 c.1444G>A variant is predicted to result in the amino acid substitution p.Gly482Ser. To our knowledge, this variant has not been reported in the literature or in a large population database (gnomAD), indicating this variant is rare. At this time, the clinical significance of this variant is uncertain due to the absence of conclusive functional and genetic evidence.